The following continues an entry in ClinVar:

NM_000540.3(RYR1):c.4405C>T (p.Arg1469Trp)

Gene: RYR1. ClinVar aggregate classification (germline): Conflicting classifications of pathogenicity. Pathogenic (5); Likely pathogenic (10); Uncertain significance (3).

Submissions 8 to 22 of 22:

All of Us Research Program, National Institutes of Health
Classification: Uncertain significance for Malignant hyperthermia, susceptibility to, 1. Last evaluated: 2024-07-10. Review status: criteria provided, single submitter. Criteria: ACMG Guidelines, 2015. Collection method: clinical testing. Allele origin: germline. Inheritance: Autosomal dominant inheritance. Observed: 33 variant alleles, 33 heterozygotes.
Comment: This missense variant replaces arginine with tryptophan at codon 1469 of the RYR1 protein. Computational prediction suggests that this variant may have deleterious impact on protein structure and function (internally defined REVEL score threshold >= 0.7, PMID: 27666373). To our knowledge, functional studies have not been reported for this variant. This variant has been reported in two individuals affected with autosomal dominant malignant hyperthermia (PMID: 25658027, 25735680) and is associated with other phenotype(s) (ClinVar Variation ID: 161372). This variant has been identified in 36/251126 chromosomes in the general population by the Genome Aggregation Database (gnomAD). Due to insufficient evidence, this variant is classified as a Variant of Uncertain Significance for autosomal dominant malignant hyperthermia.

This study involves interpretation of variants in research participants for the purpose of population health screening. Participant phenotype was not available at the time of variant classification. Additional details can be found in publication PMID: 35346344, PMCID: PMC8962531

Centre of Medical Genetics, University Hospital Muenster
Classification: Likely pathogenic. Last evaluated: 2024-03-05. Review status: criteria provided, single submitter. Criteria: ACMG Guidelines, 2015. Collection method: clinical testing. Allele origin: unknown. Affected: yes. Observed: 1 variant allele, 1 heterozygote.
Comment: ACMG categories: PM3,PP2,PP3,PP5_mod

Color Diagnostics, LLC DBA Color Health
Classification: Uncertain significance for Malignant hyperthermia, susceptibility to, 1. Last evaluated: 2024-02-15. Review status: criteria provided, single submitter. Criteria: ACMG Guidelines, 2015. Collection method: clinical testing. Allele origin: germline.
Comment: This missense variant replaces arginine with tryptophan at codon 1469 of the RYR1 protein. Computational prediction suggests that this variant may have deleterious impact on protein structure and function. To our knowledge, functional studies have not been reported for this variant. This variant has been reported in two individuals affected with autosomal dominant malignant hyperthermia (PMID: 25658027, 25735680) and is associated with other phenotype(s) (ClinVar Variation ID: 161372). This variant has been identified in 36/251126 chromosomes in the general population by the Genome Aggregation Database (gnomAD). Due to insufficient evidence, this variant is classified as a Variant of Uncertain Significance for autosomal dominant malignant hyperthermia.

Blueprint Genetics
Classification: Pathogenic for RYR1-related disorders. Last evaluated: 2024-02-07. Review status: criteria provided, single submitter. Criteria: ACMG Guidelines, 2015. Collection method: clinical testing. Allele origin: germline. Affected: yes. Observed: 5 variant alleles.

Laboratory for Molecular Medicine, Mass General Brigham Personalized Medicine
Classification: Likely pathogenic for Neuromuscular disease. Last evaluated: 2023-03-09. Review status: criteria provided, single submitter. Criteria: ACMG Guidelines, 2015. Collection method: clinical testing. Allele origin: germline. Inheritance: Autosomal recessive inheritance.
Comment: The p.Arg1469Trp variant in RYR1 has been reported in 7 compound heterozygous probands who had either congenital myopathy, arthrogryposis, or minicore myopathy and segregated in at least 1 affected sibling (cis/trans not determined; Wilmshurst 2010 PMID: 20839240, Klein 2011 PMID: 21911697, Klein 2012 PMID: 22473935, Pergande 2020 PMID: 31680123, Alkhunaizi 2019 PMID: 30652412, Maggi 2013 PMID: 23394784, Krenn 2020 PMID: 31407473, Reumers 2021 PMID: 34463354). It has also been previously reported in 2 individuals with malignant hyperthermia (Fiszer 2015 PMID: 25658027, Gillies 2015 PMID: 25735680) and has been identified in ClinVar (Variation ID 161372). It has also been identified in 14/65346 (0.021%) European chromosomes by gnomAD. Computational prediction tools and conservation analysis suggest that the p.Arg1469Trp variant may impact the protein, though this information is not predictive enough to determine pathogenicity. In summary, although additional studies are required to fully establish its clinical significance, this variant meets criteria to be classified as likely pathogenic for autosomal recessive congenital myopathy. ACMG/AMP Criteria applied: PM3_VeryStrong, PP4, PP3.

Illumina Laboratory Services, Illumina
Classification: Likely pathogenic for RYR1-related disorder. Last evaluated: 2022-01-12. Review status: criteria provided, single submitter. Criteria: ICSLVariantClassificationCriteria RUGD 01 April 2020. Collection method: clinical testing. Allele origin: unknown.
Comment: The RYR1 c.4405C>T (p.Arg1469Trp) missense variant results in the substitution of arginine at amino acid position 1469 with tryptophan. This variant has been reported in at least seven unrelated individuals (Klein et al. 2011; Maggi et al. 2013; Gillies et al. 2015; Fiszer et al. 2015; Alkhunaizi et al. 2019; Krenn et al. 2020). Five of the individuals had a clinical diagnosis of myopathy and two had malignant hyperthermia susceptibility (MHS). The individuals with myopathy were not reported to have MHS and had an additional variant in RYR1, which was detected in trans with the c.4405C>T variant in at least three individuals. The highest frequency of this allele in the Genome Aggregation Database is 0.000282 in the European (non-Finnish) population (version 2.1.1). Multiple lines of computational evidence suggest the variant may have a deleterious effect on the gene or gene product. Based on the available evidence, the c.4405C>T (p.Arg1469Trp) variant is classified as likely pathogenic for RYR1-related disorders.

Centre for Mendelian Genomics, University Medical Centre Ljubljana
Classification: Likely pathogenic for Congenital myopathy 4A, autosomal dominant. Last evaluated: 2019-08-12. Review status: criteria provided, single submitter. Criteria: ACMG Guidelines, 2015. Collection method: clinical testing. Allele origin: unknown. Affected: yes.
Comment: This variant was classified as: Likely pathogenic. The following ACMG criteria were applied in classifying this variant: PS1,PP2,PP3,BS2.

CeGaT Center for Human Genetics Tuebingen
Classification: Likely pathogenic. Last evaluated: 2019-07-01. Review status: criteria provided, single submitter. Criteria: CeGaT Center For Human Genetics Tuebingen Variant Classification Criteria Version 2. Collection method: clinical testing. Allele origin: germline. Affected: yes. Observed: 2 variant alleles.

Cirak Lab, University Hospital Cologne
Classification: Likely pathogenic for Arthrogryposis multiplex congenita; Fetal akinesia sequence. Last evaluated: 2019-06-28. Review status: criteria provided, single submitter. Criteria: ACMG Guidelines, 2015. Collection method: research. Allele origin: unknown. Affected: yes. Observed: 1 variant allele.

Institute of Human Genetics Munich, TUM University Hospital
Classification: Likely pathogenic for Central core myopathy. Last evaluated: 2019-06-07. Review status: criteria provided, single submitter. Criteria: Classification criteria August 2017. Collection method: clinical testing. Allele origin: germline. Inheritance: Autosomal recessive inheritance. Affected: yes. Observed: 1 variant allele.

Genetic Services Laboratory, University of Chicago
Classification: Uncertain significance. Last evaluated: 2016-12-07. Review status: criteria provided, single submitter. Criteria: ACMG Guidelines, 2015. Collection method: clinical testing. Allele origin: germline. Affected: no.

Solve-RD Consortium
Classification: Likely pathogenic for King Denborough syndrome. Last evaluated: 2022-06-01. Review status: no assertion criteria provided. Collection method: provider interpretation. Allele origin: inherited. Affected: yes. Not counted in ClinVar's aggregate classification.
Comment: Variant confirmed as disease-causing by referring clinical team

Variant identified during reanalysis of unsolved cases by the Solve-RD project. The Solve-RD project has received funding from the European Union’s Horizon 2020 research and innovation programme under grant agreement No 779257.

CSER _CC_NCGL, University of Washington
Classification: Uncertain significance for Myopathy, congenital. Last evaluated: 2014-06-01. Review status: no assertion criteria provided. Collection method: research. Allele origin: germline. Inheritance: Autosomal dominant inheritance. Study: ESP 6500 variant annotation. Not counted in ClinVar's aggregate classification.
Comment: Variants classified for the Actionable exomic incidental findings in 6503 participants: challenges of variant classification manuscript

Genome Diagnostics Laboratory, University Medical Center Utrecht
Classification: Uncertain significance. Review status: no assertion criteria provided. Collection method: clinical testing. Allele origin: germline. Affected: yes. Study: VKGL Data-share Consensus. Not counted in ClinVar's aggregate classification.

Joint Genome Diagnostic Labs from Nijmegen and Maastricht, Radboudumc and MUMC+
Classification: Uncertain significance. Review status: no assertion criteria provided. Collection method: clinical testing. Allele origin: germline. Affected: yes. Study: VKGL Data-share Consensus. Not counted in ClinVar's aggregate classification.

Literature cited by the submitters: PubMed 20839240 (cited by 5 submitters); PubMed 21911697 (cited by 6 submitters); PubMed 30652412 (cited by 6 submitters); PubMed 31407473 (cited by 6 submitters); PubMed 25658027 (cited by 8 submitters); PubMed 25735680 (cited by 8 submitters); PubMed 20301325 (cited by Rady Children's Institute for Genomic Medicine, Rady Children's Hospital San Diego); PubMed 23394784 (cited by 4 submitters); PubMed 26188342 (cited by Rady Children's Institute for Genomic Medicine, Rady Children's Hospital San Diego); PubMed 27382027 (cited by Rady Children's Institute for Genomic Medicine, Rady Children's Hospital San Diego); PubMed 29298851 (cited by Rady Children's Institute for Genomic Medicine, Rady Children's Hospital San Diego); PubMed 29635721 (cited by Rady Children's Institute for Genomic Medicine, Rady Children's Hospital San Diego); PubMed 30406384 (cited by Rady Children's Institute for Genomic Medicine, Rady Children's Hospital San Diego); PubMed 31680123 (cited by 5 submitters); PubMed 32008650 (cited by Rady Children's Institute for Genomic Medicine, Rady Children's Hospital San Diego); PubMed 32978841 (cited by 3 submitters); PubMed 33190635 (cited by Rady Children's Institute for Genomic Medicine, Rady Children's Hospital San Diego); PubMed 34463354 (cited by 3 submitters); PubMed 34627702 (cited by Rady Children's Institute for Genomic Medicine, Rady Children's Hospital San Diego); PubMed 36516687 (cited by Rady Children's Institute for Genomic Medicine, Rady Children's Hospital San Diego); PubMed 35548885 (cited by Women's Health and Genetics/Laboratory Corporation of America, LabCorp and Mayo Clinic Laboratories, Mayo Clinic); PubMed 36939041 (cited by Women's Health and Genetics/Laboratory Corporation of America, LabCorp and Mayo Clinic Laboratories, Mayo Clinic); PubMed 36833224 (cited by Women's Health and Genetics/Laboratory Corporation of America, LabCorp); PubMed 38127101 (cited by Women's Health and Genetics/Laboratory Corporation of America, LabCorp); PubMed 22473935 (cited by Mayo Clinic Laboratories, Mayo Clinic and Laboratory for Molecular Medicine, Mass General Brigham Personalized Medicine); PubMed 23919265 (cited by Mayo Clinic Laboratories, Mayo Clinic and Laboratory for Molecular Medicine, Mass General Brigham Personalized Medicine); PubMed 2567381 (cited by Mayo Clinic Laboratories, Mayo Clinic); PubMed 26332594 (cited by Laboratory for Molecular Medicine, Mass General Brigham Personalized Medicine); PubMed 25637381 (cited by Laboratory for Molecular Medicine, Mass General Brigham Personalized Medicine); PubMed 27452334 (cited by Laboratory for Molecular Medicine, Mass General Brigham Personalized Medicine); PubMed 39825153 (cited by Solve-RD Consortium).